The following is an entry in ClinVar:

ClinVar aggregate classification (germline): Uncertain significance (1 of 4 stars; one submission).

Submission:

Ambry Genetics
Classification: Uncertain significance. Last evaluated: 2025-03-16. Review status: criteria provided, single submitter. Criteria: Ambry Variant Classification Scheme 2023. Collection method: clinical testing. Allele origin: germline.
Comment: The p.G248A variant (also known as c.743G>C), located in coding exon 2 of the WNK2 gene, results from a G to C substitution at nucleotide position 743. The glycine at codon 248 is replaced by alanine, an amino acid with similar properties. This amino acid position is conserved. In addition, the in silico prediction for this alteration is inconclusive. Based on the available evidence, the clinical significance of this variant remains unclear.

NM_006648.4(WNK2):c.743G>C (p.Gly248Ala)

Gene: WNK2 (WNK lysine deficient protein kinase 2; plus strand). Cytogenetic location: 9q22.31.
Variant type: single nucleotide variant.
Coding change: c.743G>C on transcript NM_006648.4 (MANE Select); coding-DNA position 743, G replaced by C.
Protein change: p.Gly248Ala; replaces glycine 248 with alanine.
Molecular consequence: missense variant.
Genome position (GRCh38, 1-based): chr9:93,229,757, G>C. VCF-style: chr9-93229757-G-C. GRCh37 (hg19) VCF-style: chr9-95992039-G-C.
Other names: c.743G>C, p.Gly248Ala (NM_001282394.3); short protein forms G248A.
Identifiers: ClinVar variation 3981651 (VCV003981651.1).
Genomic context (GRCh38, chr9:93,229,757, plus strand): 5'-ACCGGAAGCTCACCAAGCTGGAGCGGCAGCGGTTCAAGGAAGAGGCTGAGATGCTGAAAG[G>C]CCTGCAGCACCCCAACATCGTGCGCTTCTACGACTTCTGGGAGTCCAGCGCCAAGGGCAA-3'
Protein context (NP_006639.3, residues 238-258): RFKEEAEMLK[Gly248Ala]LQHPNIVRFY